The following is an entry in ClinVar:

NM_018192.4(P3H2):c.1817+1_1817+6del

Gene: P3H2 (prolyl 3-hydroxylase 2; minus strand). Cytogenetic location: 3q28.
Variant type: Deletion.
Coding change: c.1817+1_1817+6del on transcript NM_018192.4 (MANE Select); the canonical splice donor site of the intron after coding-DNA position 1817 through 6 bases into the intron after coding-DNA position 1817, 6 bases deleted (GTATAG; older notation c.1817+1_1817+6delGTATAG).
Molecular consequence: splice donor variant.
Genome position (GRCh38, 1-based): chr3:189,971,884-189,971,889, CTATAC deleted on the plus strand (GTATAG on the coding strand, the reverse complement: P3H2 is on the minus strand); deleting any 6 consecutive bases within chr3:189,971,884-189,971,894 gives the same sequence; the c. name uses the placement nearest the transcript's 3' end. VCF-style (leftmost placement, unchanged base first): chr3-189971883-GCTATAC-G. GRCh37 (hg19) VCF-style: chr3-189689672-GCTATAC-G.
Other names: c.1274+1_1274+6del (NM_001134418.2).
Identifiers: ClinVar variation 1935515 (VCV001935515.5), dbSNP rs1234705457, ClinGen allele CA355752712.

ClinVar aggregate classification (germline): Likely pathogenic (1 of 4 stars; one submission).

Submission:

Labcorp Genetics (formerly Invitae), Labcorp
Classification: Likely pathogenic. Last evaluated: 2022-05-29. Review status: criteria provided, single submitter. Criteria: Invitae Variant Classification Sherloc (09022015). Collection method: clinical testing. Allele origin: germline.
Comment: This sequence change affects a splice site in intron 12 of the P3H2 gene. It is expected to disrupt RNA splicing. Variants that disrupt the donor or acceptor splice site typically lead to a loss of protein function (PMID: 16199547), and loss-of-function variants in P3H2 are known to be pathogenic (PMID: 24172257, 25469533). This variant is present in population databases (no rsID available, gnomAD 0.0009%). This variant has not been reported in the literature in individuals affected with P3H2-related conditions. Algorithms developed to predict the effect of sequence changes on RNA splicing suggest that this variant may disrupt the consensus splice site. In summary, the currently available evidence indicates that the variant is pathogenic, but additional data are needed to prove that conclusively. Therefore, this variant has been classified as Likely Pathogenic.

Literature cited by the submitters: PubMed 16199547; PubMed 24172257; PubMed 25469533.